The following is an entry in ClinVar:

NM_138691.3(TMC1):c.100C>T (p.Arg34Ter)

Gene: TMC1 (transmembrane channel like 1; plus strand). Cytogenetic location: 9q21.13.
Variant type: single nucleotide variant.
Coding change: c.100C>T on transcript NM_138691.3 (MANE Select); coding-DNA position 100, C replaced by T.
Protein change: p.Arg34Ter; replaces arginine 34 with a stop codon.
Molecular consequence: nonsense.
Genome position (GRCh38, 1-based): chr9:72,694,578, C>T. VCF-style: chr9-72694578-C-T. GRCh37 (hg19) VCF-style: chr9-75309494-C-T.
Other names: short protein forms R34*.
Identifiers: ClinVar variation 4103 (VCV000004103.51), dbSNP rs121908073, ClinGen allele CA253002.

ClinVar aggregate classification (germline): Pathogenic. Review status: criteria provided, multiple submitters, no conflicts (2 of 4 stars). 20 submissions from 20 submitters: Pathogenic (14). 6 of the submissions do not count toward it. Last evaluated 2026-10-13.

Conditions:
Rare genetic deafness. Identifiers: Orphanet 96210, MedGen C5680250.
TMC1-related disorder. Also called: TMC1-related disorders; TMC1-related condition.
Autosomal dominant nonsyndromic hearing loss 36. Identifiers: Orphanet 90635, MedGen C1847626, MONDO:0011708, OMIM 606705.
Autosomal recessive nonsyndromic hearing loss 7. Also called: DEAFNESS, AUTOSOMAL RECESSIVE 11. Identifiers: Orphanet 90636, MedGen C1832978, MONDO:0010967, OMIM 600974.
Hearing loss, autosomal recessive. Also called: Autosomal recessive nonsyndromic deafness; Rare autosomal recessive non-syndromic sensorineural deafness type DFNB; Nonsyndromic Hearing Loss, Recessive; Deafness, autosomal recessive. Identifiers: Orphanet 90635, Orphanet 90636, MedGen C1846647, MONDO:0019588, OMIM 607197.

Allele frequency attached by ClinVar (database versions not stated): gnomAD 0.00001; ExAC 0.00005; gnomAD exomes 0.00006; 1000 Genomes Project 30x 0.00016; 1000 Genomes Project 0.00020; TOPMed 0.00001.

Submissions 1 to 12 of 20:

Institute of Rare Diseases, West China Hospital, Sichuan University
Classification: Pathogenic for Autosomal recessive nonsyndromic hearing loss 7. Last evaluated: 2026-10-13. Review status: criteria provided, single submitter. Criteria: ClinGen HL ACMG Specifications v1. Collection method: research. Allele origin: germline. Affected: yes.
Comment: This c.100C>T is a nonsense variant predicted to introduce a premature stop codon, resulting in nonsense‑mediated mRNA decay (NMD)(PVS1)（PMID:41231290,PMID:11850618,PMID:22105175）;This variant has been identified in homozygous state in multiple deafness families reported in literature(PP1)（PMID:11850618,PMID:34523024）;It is extremely rare in general‑population databases(PM2_Supporting). ACMG classification: pathogenic(PVS1,PM2_Supporting,PP1).

3billion
Classification: Pathogenic for Autosomal recessive nonsyndromic hearing loss 7. Last evaluated: 2026-01-22. Review status: criteria provided, single submitter. Criteria: ACMG Guidelines, 2015. Collection method: clinical testing. Allele origin: germline. Affected: yes.
Comment: The variant is observed at an extremely low frequency in the gnomAD v4.1.0 dataset (total allele frequency: 0.002%). Predicted Consequence/Location: Stop-gained (nonsense): predicted to result in a loss or disruption of normal protein function through nonsense-mediated decay (NMD) or protein truncation. Multiple pathogenic variants are reported downstream of the variant. The variant has been reported at least twice as pathogenic with clinical assertions and evidence for the classification (ClinVar ID: VCV000004103 /PMID: 11850618 /3billion dataset). Therefore, this variant is classified as Pathogenic according to the recommendation of ACMG/AMP guideline.

Labcorp Genetics (formerly Invitae), Labcorp
Classification: Pathogenic. Last evaluated: 2025-09-05. Review status: criteria provided, single submitter. Criteria: Invitae Variant Classification Sherloc (09022015). Collection method: clinical testing. Allele origin: germline.
Comment: This sequence change creates a premature translational stop signal (p.Arg34*) in the TMC1 gene. It is expected to result in an absent or disrupted protein product. Loss-of-function variants in TMC1 are known to be pathogenic (PMID: 11850618, 22105175). This variant is present in population databases (rs121908073, gnomAD 0.03%). This premature translational stop signal has been observed in individual(s) with autosomal recessive deafness (PMID: 11850618, 17877751, 31854501). ClinVar contains an entry for this variant (Variation ID: 4103). For these reasons, this variant has been classified as Pathogenic.

ENT and Head and Neck Research Center and Department,  The Five Senses Health Institute, Iran University of Medical Sciences
Classification: Pathogenic for Autosomal recessive nonsyndromic hearing loss 7. Last evaluated: 2025-08-20. Review status: criteria provided, single submitter. Criteria: ClinGen HL ACMG Specifications v1. Collection method: clinical testing. Allele origin: germline. Affected: yes.
Comment: PVS1: Null variant (nonsense) in gene TMC1, predicted to cause NMD. Loss-of-function is a known mechanism of disease (gene has 126 reported pathogenic LOF variants). The exon affects 1 functional domain: UniProt protein TMC1_HUMAN region of interest 'Disordered'. The exon contains 9 pathogenic variants. The truncated region contains 181 pathogenic variants, PP5: ClinVar classifies this variant as Pathogenic, 2 stars (reviewed Apr '25, 16 submissions of which 2 are from high confidence submitters), citing 10 articles (34523024, 31854501, 30303587, 25074487, 24949729, and 5 more), associated with Autosomal Dominant Nonsyndromic Hearing Loss 36 and Autosomal Recessive Nonsyndromic Hearing Loss 7, PM2: GnomAD genomes homozygous allele count = 0 is less than 2 for AD/AR gene TMC1, good gnomAD genomes coverage = 31.1

Blueprint Genetics
Classification: Pathogenic for TMC1-related disorders. Last evaluated: 2024-11-17. Review status: criteria provided, single submitter. Criteria: ACMG Guidelines, 2015. Collection method: clinical testing. Allele origin: germline. Affected: yes. Observed: 5 variant alleles.

Fulgent Genetics
Classification: Pathogenic for Autosomal recessive nonsyndromic hearing loss 7; Autosomal dominant nonsyndromic hearing loss 36. Last evaluated: 2024-06-18. Review status: criteria provided, single submitter. Criteria: ACMG Guidelines, 2015. Collection method: clinical testing. Allele origin: germline.

Genomic Medicine Center of Excellence, King Faisal Specialist Hospital and Research Centre
Classification: Pathogenic for Autosomal dominant nonsyndromic hearing loss 36. Last evaluated: 2024-03-17. Review status: criteria provided, single submitter. Criteria: ACMG Guidelines, 2015. Collection method: research. Allele origin: germline.

Victorian Clinical Genetics Services, Murdoch Childrens Research Institute
Classification: Pathogenic for Autosomal recessive nonsyndromic hearing loss 7. Last evaluated: 2023-12-21. Review status: criteria provided, single submitter. Criteria: ACMG Guidelines, 2015. Collection method: clinical testing. Allele origin: germline. Inheritance: Autosomal recessive inheritance. Affected: yes.
Comment: Based on the classification scheme VCGS_Germline_v1.3.4, this variant is classified as Pathogenic. Following criteria are met: 0102 - Loss of function is a known mechanism of disease in this gene and is associated with deafness, autosomal recessive 7 (MIM#600974). The mechanism of disease for deafness, autosomal dominant 36 (MIM#606705) is not established but is speculated to be either dominant negative or gain of function (PMID: 25074487). (I) 0108 - This gene is associated with both recessive and dominant disease (OMIM). Premature termination codon, splice site, and missense variants are associated with deafness, autosomal recessive 7 (MIM#600974), while currently only missense variants between residues 400 and 600 are associated with deafness, autosomal dominant 36 (MIM#606705) (PMIDs: 34523024, 25074487). (I) 0204 - Variant is predicted to result in a truncated protein (premature termination codon is located within the first 102 nucleotides of the coding sequence and is predicted to escape nonsense-mediated decay). (SP) 0251 - This variant is heterozygous. (I) 0304 - Variant is present in gnomAD (v2) <0.01 (14 heterozygotes, 0 homozygotes). (SP) 0801 - This variant has strong previous evidence of pathogenicity in unrelated individuals. This variant has been classified as pathogenic by multiple clinical laboratories in ClinVar, and has been observed as homozygous or compound heterozygous in several families or individuals with profound hearing loss (PMID: 11850618, 34523024). (SP) 1208 - Inheritance information for this variant is not currently available in this individual. (I) Legend: (SP) - Supporting pathogenic, (I) - Information, (SB) - Supporting benign

GeneDx
Classification: Pathogenic. Last evaluated: 2022-03-07. Review status: criteria provided, single submitter. Criteria: GeneDx Variant Classification Process June 2021. Collection method: clinical testing. Allele origin: germline. Affected: yes.
Comment: Nonsense variant predicted to result in protein truncation or nonsense mediated decay in a gene for which loss-of-function is a known mechanism of disease; This variant is associated with the following publications: (PMID: 25525159, 17877751, 27766948, 24949729, 11850618, 29048421, 20373850, 19187973, 31854501, 31541171, 34426522, 32802042, 32747562, 31589614)

King Laboratory, University of Washington
Classification: Pathogenic for Autosomal recessive nonsyndromic hearing loss 7. Last evaluated: 2020-08-01. Review status: criteria provided, single submitter. Criteria: Abu Rayyan A et al. (Proc Natl Acad Sci U S A 2020). Collection method: research. Allele origin: germline. Affected: yes.
Comment: TMC1 c.100C>T, p.R34* is homozygous in 3 Palestinian children with profound pre-lingual hearing loss It was found also in 2 Palestinian children with hearing loss in compound heterozygosity with TMC1 c.1532C>A. The variant is absent from 1300 Palestinian controls and absent from gnomAD v2.1.1.

Baylor Genetics
Classification: Pathogenic for Autosomal recessive nonsyndromic hearing loss 7. Last evaluated: 2020-02-06. Review status: criteria provided, single submitter. Criteria: ACMG Guidelines, 2015. Collection method: clinical testing. Allele origin: unknown. Affected: yes.
Comment: This variant was determined to be pathogenic according to ACMG Guidelines, 2015 [PMID:25741868].

ARUP Laboratories, Molecular Genetics and Genomics, ARUP Laboratories
Classification: Pathogenic. Last evaluated: 2017-07-18. Review status: criteria provided, single submitter. Criteria: ARUP Molecular Germline Variant Investigation Process. Collection method: clinical testing. Allele origin: germline.
Comment: The p.Arg34Ter variant is the most frequently reported pathogenic variant of TMC1 and is likely a founder variant in North African and Middle Eastern populations (Kurima 2002, Ben Said 2010, Shafique 2014, and Dallol 2016). The c.100C>T variant creates a premature termination codon in exon 7 and is predicted to result in a truncated or absent protein product. Based on these observations the p.Arg34Ter variant has been classified pathogenic.